The following is an entry in ClinVar:

NM_006765.4(TUSC3):c.*2052A>C

Gene: TUSC3 (tumor suppressor candidate 3; plus strand). Cytogenetic location: 8p22.
Variant type: single nucleotide variant.
Coding change: c.*2052A>C on transcript NM_006765.4 (MANE Select); 2052 bases downstream of the stop codon, A replaced by C.
Molecular consequence: 3 prime UTR variant.
Genome position (GRCh38, 1-based): chr8:15,766,208, A>C. VCF-style: chr8-15766208-A-C. GRCh37 (hg19) VCF-style: chr8-15623717-A-C.
Other names: c.*1990A>C (NM_178234.2).
Identifiers: ClinVar variation 362340 (VCV000362340.5), dbSNP rs1421241, ClinGen allele CA10625064.

ClinVar aggregate classification (germline): Benign (1 of 4 stars; one submission).

Conditions:
Congenital disorder of glycosylation (CDG). Also called: Carbohydrate-deficient glycoprotein syndrome; Congenital disorders of glycosylation. Identifiers: Orphanet 137, MedGen C0282577, MONDO:0015286.

Allele frequency attached by ClinVar (database versions not stated): gnomAD 0.02942 and 0.03116; TOPMed 0.03271; 1000 Genomes Project 0.03914; 1000 Genomes Project 30x 0.04169.

Submission:

Illumina Laboratory Services, Illumina
Classification: Benign for Congenital disorder of glycosylation. Last evaluated: 2018-01-12. Review status: criteria provided, single submitter. Criteria: ICSL Variant Classification Criteria 13 December 2019. Collection method: clinical testing. Allele origin: germline.
Comment: This variant was observed in the ICSL laboratory as part of a predisposition screen in an ostensibly healthy population. It had not been previously curated by ICSL or reported in the Human Gene Mutation Database (HGMD: prior to June 1st, 2018), and was therefore a candidate for classification through an automated scoring system. Utilizing variant allele frequency, disease prevalence and penetrance estimates, and inheritance mode, an automated score was calculated to assess if this variant is too frequent to cause the disease. Based on the score and internal cut-off values, a variant classified as benign is not then subjected to further curation. The score for this variant resulted in a classification of benign for this disease.